The following is an entry in ClinVar:

ClinVar aggregate classification (germline): Likely benign. Review status: criteria provided, multiple submitters, no conflicts (2 of 4 stars). 4 submissions from 4 submitters: Likely benign (3). 1 of the submissions does not count toward it. Last evaluated 2025-12-24.

Conditions:
GBE1-related disorder. Also called: GBE1-related condition; GBE1-related disorders. Identifiers: MedGen CN239402.
Glycogen storage disease IV, classic hepatic. Also called: GSD IV, CLASSIC HEPATIC. Identifiers: MedGen C1856301.
Glycogen storage disease, type IV (GSD4). Also called: BRANCHER DEFICIENCY; CIRRHOSIS, FAMILIAL, WITH DEPOSITION OF ABNORMAL GLYCOGEN; GBE1 DEFICIENCY; GLYCOGEN BRANCHING ENZYME DEFICIENCY; GLYCOGENOSIS IV; GSD IV. Identifiers: Orphanet 367, MedGen C0017923, MONDO:0009292, OMIM 232500.

Allele frequency attached by ClinVar (database versions not stated): TOPMed 0.00004.
gnomAD v4.1: 146 of 1,555,744 alleles (0.0094%); highest among the groups gnomAD compares: Admixed American, 0.021%; 2 homozygotes.

Submissions (4):

Labcorp Genetics (formerly Invitae), Labcorp
Classification: Likely benign for Glycogen storage disease, type IV; Glycogen storage disease IV, classic hepatic. Last evaluated: 2025-12-24. Review status: criteria provided, single submitter. Criteria: Invitae Variant Classification Sherloc (09022015). Collection method: clinical testing. Allele origin: germline.

Blueprint Genetics
Classification: Likely benign. Last evaluated: 2024-07-16. Review status: criteria provided, single submitter. Criteria: ACMG Guidelines, 2015. Collection method: clinical testing. Allele origin: germline.

GeneDx
Classification: Likely benign. Last evaluated: 2016-01-19. Review status: criteria provided, single submitter. Criteria: GeneDx Variant Classification (06012015). Collection method: clinical testing. Allele origin: germline. Affected: yes.
Comment: This variant is considered likely benign or benign based on one or more of the following criteria: it is a conservative change, it occurs at a poorly conserved position in the protein, it is predicted to be benign by multiple in silico algorithms, and/or has population frequency not consistent with disease.

PreventionGenetics, part of Exact Sciences
Classification: Likely benign for GBE1-related condition. Last evaluated: 2019-07-14. Review status: no assertion criteria provided. Collection method: clinical testing. Allele origin: germline. Not counted in ClinVar's aggregate classification.
Comment: This variant is classified as likely benign based on ACMG/AMP sequence variant interpretation guidelines (Richards et al. 2015 PMID: 25741868, with internal and published modifications).

NM_000158.4(GBE1):c.333G>C (p.Ser111=)

Gene: GBE1 (1,4-alpha-glucan branching enzyme 1; minus strand). Cytogenetic location: 3p12.2.
Variant type: single nucleotide variant.
Coding change: c.333G>C on transcript NM_000158.4 (MANE Select); coding-DNA position 333, G replaced by C.
Protein change: p.Ser111=; no amino-acid change (serine 111 retained).
Molecular consequence: synonymous variant.
Genome position (GRCh38, 1-based): chr3:81,670,934, C>G on the plus strand (G>C on the coding strand, the complement: GBE1 is on the minus strand). VCF-style: chr3-81670934-C-G. GRCh37 (hg19) VCF-style: chr3-81720085-C-G.
Identifiers: ClinVar variation 381882 (VCV000381882.10), dbSNP rs374518318, ClinGen allele CA2500000.